The following is an entry in ClinVar:

ClinVar aggregate classification (germline): Pathogenic/Likely pathogenic. Review status: criteria provided, multiple submitters, no conflicts (2 of 4 stars). 9 submissions from 9 submitters: Pathogenic (5); Likely pathogenic (2). 2 of the submissions do not count toward it. Last evaluated 2026-01-05.

Conditions:
Jeune thoracic dystrophy. Also called: Jeune syndrome; Infantile thoracic dystrophy; Thoracic pelvic phalangeal dystrophy; Jeune's syndrome; Chondroectodermal dysplasia-like syndrome; Short-rib thoracic dysplasia. Identifiers: Orphanet 474, MedGen C0265275, MONDO:0018770.
Asphyxiating thoracic dystrophy 3. Also called: POLYDACTYLY WITH NEONATAL CHONDRODYSTROPHY, TYPE I; SHORT-RIB THORACIC DYSPLASIA 3/6 WITH POLYDACTYLY, DIGENIC; Short rib polydactyly syndrome 2B; Saldino-Noonan Syndrome; SHORT-RIB THORACIC DYSPLASIA 3 WITH OR WITHOUT POLYDACTYLY. Identifiers: Orphanet 474, Orphanet 93269, Orphanet 93270, Orphanet 93271, MedGen C0036069, MONDO:0013127, OMIM 613091.
DYNC2H1-related disorder. Also called: DYNC2H1-related condition; DYNC2H1-related disorders. Identifiers: MedGen CN378770.

Allele frequency attached by ClinVar (database versions not stated): gnomAD 0.00003 and 0.00004; gnomAD exomes 0.00002 and 0.00003; ESP Exome Variant Server 0.00017; TOPMed 0.00004; ExAC 0.00005.
gnomAD v4.1: 54 of 1,610,288 alleles (0.0034%); highest among the groups gnomAD compares: Middle Eastern, 0.067%; 1 homozygote.

Submissions (9):

Labcorp Genetics (formerly Invitae), Labcorp
Classification: Pathogenic for Jeune thoracic dystrophy. Last evaluated: 2026-01-05. Review status: criteria provided, single submitter. Criteria: Invitae Variant Classification Sherloc (09022015). Collection method: clinical testing. Allele origin: germline.
Comment: This sequence change replaces alanine, which is neutral and non-polar, with valine, which is neutral and non-polar, at codon 384 of the DYNC2H1 protein (p.Ala384Val). This variant is present in population databases (rs369614706, gnomAD 0.008%). This missense change has been observed in individual(s) with clinical features of short rib polydactyly syndrome (PMID: 25982780, 29620724; internal data). In at least one individual the data is consistent with being in trans (on the opposite chromosome) from a pathogenic variant. ClinVar contains an entry for this variant (Variation ID: 446677). Invitae Evidence Modeling of protein sequence and biophysical properties (such as structural, functional, and spatial information, amino acid conservation, physicochemical variation, residue mobility, and thermodynamic stability) indicates that this missense variant is expected to disrupt DYNC2H1 protein function with a positive predictive value of 95%. For these reasons, this variant has been classified as Pathogenic.

GeneDx
Classification: Pathogenic. Last evaluated: 2025-09-02. Review status: criteria provided, single submitter. Criteria: GeneDx Variant Classification Process June 2021. Collection method: clinical testing. Allele origin: germline. Affected: yes.
Comment: In silico analysis supports that this missense variant has a deleterious effect on protein structure/function; This variant is associated with the following publications: (PMID: 25982780, 29068549, 36599940, 31589614, 27323140, 29620724, 29359448, 29458881, 33846808, 33942288, Markova2022[article], 37644014, 35383688, 32333414)

First Genomix Gene Laboratory, Genetic Diagnostics Department
Classification: Pathogenic for Asphyxiating thoracic dystrophy 3. Last evaluated: 2025-05-08. Review status: criteria provided, single submitter. Criteria: ACMG Guidelines, 2015. Collection method: clinical testing. Allele origin: germline. Inheritance: Autosomal recessive inheritance. Affected: no. Observed: 1 variant allele.

Women's Health and Genetics/Laboratory Corporation of America, LabCorp
Classification: Pathogenic for Asphyxiating thoracic dystrophy 3. Last evaluated: 2025-04-25. Review status: criteria provided, single submitter. Criteria: LabCorp Variant Classification Summary - May 2015. Collection method: clinical testing. Allele origin: germline.
Comment: Variant summary: DYNC2H1 c.1151C>T (p.Ala384Val) results in a non-conservative amino acid change in the encoded protein sequence. Two of three in-silico tools predict a damaging effect of the variant on protein function. The variant allele was found at a frequency of 2.4e-05 in 245808 control chromosomes. c.1151C>T has been observed in multiple individuals affected with Short-rib thoracic dysplasia (Mei_2015, Zhang_2018, Marouane_2022, Alabdi_2023, Internal data). These data indicate that the variant is very likely to be associated with disease. The following publications have been ascertained in the context of this evaluation (PMID: 25982780, 37644014, 38259611, 29068549). ClinVar contains an entry for this variant (Variation ID: 446677). Based on the evidence outlined above, the variant was classified as pathogenic.

Blueprint Genetics
Classification: Pathogenic for DYNC2H1-related disorders. Last evaluated: 2024-09-21. Review status: criteria provided, single submitter. Criteria: ACMG Guidelines, 2015. Collection method: clinical testing. Allele origin: germline. Affected: yes. Observed: 5 variant alleles.

Fulgent Genetics
Classification: Likely pathogenic for Asphyxiating thoracic dystrophy 3. Last evaluated: 2024-04-03. Review status: criteria provided, single submitter. Criteria: ACMG Guidelines, 2015. Collection method: clinical testing. Allele origin: germline.

Kariminejad - Najmabadi Pathology & Genetics Center
Classification: Likely pathogenic for Asphyxiating thoracic dystrophy 3. Review status: criteria provided, single submitter. Criteria: ACMG Guidelines, 2015. Collection method: clinical testing. Allele origin: germline. Affected: no.

Dan Cohn Lab, University Of California Los Angeles
Classification: Pathogenic for Asphyxiating thoracic dystrophy. Last evaluated: 2017-06-01. Review status: no assertion criteria provided. Collection method: research. Allele origin: paternal. Affected: yes. Not counted in ClinVar's aggregate classification.

University of Washington Center for Mendelian Genomics, University of Washington
Classification: Likely pathogenic for asphyxiating thoracic dystrophy. Review status: no assertion criteria provided. Collection method: research. Allele origin: inherited. Affected: yes. Not counted in ClinVar's aggregate classification.

Literature cited by the submitters: PubMed 25982780 (cited by Labcorp Genetics (formerly Invitae), Labcorp and Women's Health and Genetics/Laboratory Corporation of America, LabCorp); PubMed 29620724 (cited by Labcorp Genetics (formerly Invitae), Labcorp); PubMed 29068549 (cited by 3 submitters); PubMed 37644014 (cited by Women's Health and Genetics/Laboratory Corporation of America, LabCorp); PubMed 38259611 (cited by Women's Health and Genetics/Laboratory Corporation of America, LabCorp).

NM_001377.3(DYNC2H1):c.1151C>T (p.Ala384Val)

Gene: DYNC2H1 (dynein cytoplasmic 2 heavy chain 1; plus strand). Cytogenetic location: 11q22.3.
Variant type: single nucleotide variant.
Coding change: c.1151C>T on transcript NM_001377.3 (MANE Select); coding-DNA position 1151, C replaced by T.
Protein change: p.Ala384Val; replaces alanine 384 with valine.
Molecular consequence: missense variant.
Genome position (GRCh38, 1-based): chr11:103,120,705, C>T. VCF-style: chr11-103120705-C-T. GRCh37 (hg19) VCF-style: chr11-102991434-C-T.
Other names: c.1151C>T, p.Ala384Val (NM_001080463.2); short protein forms A384V.
Identifiers: ClinVar variation 446677 (VCV000446677.21), dbSNP rs369614706, ClinGen allele CA6252702.